The following is an entry in ClinVar:

NM_001048174.2(MUTYH):c.301G>C (p.Ala101Pro)

Gene: MUTYH (mutY DNA glycosylase; minus strand). Cytogenetic location: 1p34.1.
Variant type: single nucleotide variant.
Coding change: c.301G>C on transcript NM_001048174.2 (MANE Select); coding-DNA position 301, G replaced by C.
Protein change: p.Ala101Pro; replaces alanine 101 with proline.
Molecular consequence: missense variant. On other transcripts: non-coding transcript variant (2).
Genome position (GRCh38, 1-based): chr1:45,333,288, C>G on the plus strand (G>C on the coding strand, the complement: MUTYH is on the minus strand). VCF-style: chr1-45333288-C-G. GRCh37 (hg19) VCF-style: chr1-45798960-C-G.
Other names: c.385G>C, p.Ala129Pro (NM_001128425.2); c.346G>C, p.Ala116Pro (NM_001293190.2); c.334G>C, p.Ala112Pro (NM_001293191.2); c.25G>C, p.Ala9Pro (NM_001293192.2, NM_001293196.2); c.301G>C, p.Ala101Pro (NM_001293195.2, NM_001048171.2, NM_001048173.2); c.30G>C, p.Met10Ile (NM_001350650.2, NM_001350651.2); c.376G>C, p.Ala126Pro (NM_012222.3); c.304G>C, p.Ala102Pro (NM_001048172.2); short protein forms A101P, A102P, A112P, A116P, A126P, A129P, A9P, M10I.
Identifiers: ClinVar variation 1022271 (VCV001022271.8), dbSNP rs1553129798, ClinGen allele CA340136235.

ClinVar aggregate classification (germline): Uncertain significance (1 of 4 stars; one submission).

Conditions:
Familial adenomatous polyposis 2. Also called: COLORECTAL ADENOMATOUS POLYPOSIS, AUTOSOMAL RECESSIVE; ADENOMAS, MULTIPLE COLORECTAL, AUTOSOMAL RECESSIVE; Adenomas, multiple colorectal; FAP type 2; MUTYH Polyposis; MUTYH-associated polyposis. Identifiers: Orphanet 220460, Orphanet 247798, MedGen C3272841, MONDO:0012041, OMIM 608456.

Submission:

Labcorp Genetics (formerly Invitae), Labcorp
Classification: Uncertain significance for Familial adenomatous polyposis 2. Last evaluated: 2020-09-25. Review status: criteria provided, single submitter. Criteria: Invitae Variant Classification Sherloc (09022015). Collection method: clinical testing. Allele origin: germline.
Comment: This sequence change replaces alanine with proline at codon 129 of the MUTYH protein (p.Ala129Pro). The alanine residue is highly conserved and there is a small physicochemical difference between alanine and proline. This variant is not present in population databases (ExAC no frequency). This variant has not been reported in the literature in individuals with MUTYH-related conditions. Algorithms developed to predict the effect of missense changes on protein structure and function are either unavailable or do not agree on the potential impact of this missense change (SIFT: "Tolerated"; PolyPhen-2: "Probably Damaging"; Align-GVGD: "Class C0"). In summary, the available evidence is currently insufficient to determine the role of this variant in disease. Therefore, it has been classified as a Variant of Uncertain Significance.